The following is an entry in ClinVar:

NM_006080.3(SEMA3A):c.1302_1303inv (p.Val435Ile)

Gene: SEMA3A (semaphorin 3A; minus strand). Cytogenetic location: 7q21.11.
Variant type: Inversion.
Coding change: c.1302_1303inv on transcript NM_006080.3 (MANE Select).
Protein change: p.Val435Ile; replaces valine 435 with isoleucine.
Molecular consequence: missense variant.
Genome position: GRCh38 VCF-style: chr7-84005396-CA-TG. GRCh37 (hg19) VCF-style: chr7-83634712-CA-TG.
Other names: c.1302_1303delinsCA (NM_006080.3); short protein forms V435I.
Identifiers: ClinVar variation 1632292 (VCV001632292.10), ClinGen allele CA2573142391.
Genomic context (GRCh38, chr7:84,005,396, plus strand): 5'-TACCTGTTCCGATAAACATAACATCATACTGTCCATCTTCTGCATCCACTCGGTCTACGA[CA>TG]ATTTGTGTAAATTGATAATTTACATCCGTTTTGATCACTATTGGGCGATTGTTCATAGGA-3'
Protein context (NP_006071.1, residues 425-445): TDVNYQFTQI[Val435Ile]VDRVDAEDGQ

ClinVar aggregate classification (germline): Likely benign. Review status: criteria provided, multiple submitters, no conflicts (2 of 4 stars). 3 submissions from 3 submitters: Likely benign (3). Last evaluated 2026-01-21.

Conditions:
Hypogonadotropic hypogonadism 16 with or without anosmia (HH16). Also called: HYPOGONADOTROPIC HYPOGONADISM 16 WITH ANOSMIA, SUSCEPTIBILITY TO. Identifiers: Orphanet 478, MedGen C3554021, MONDO:0013961, OMIM 614897.

Submissions (3):

Labcorp Genetics (formerly Invitae), Labcorp
Classification: Likely benign. Last evaluated: 2026-01-21. Review status: criteria provided, single submitter. Criteria: Invitae Variant Classification Sherloc (09022015). Collection method: clinical testing. Allele origin: germline.

Center for Genomics, Ann and Robert H. Lurie Children's Hospital of Chicago
Classification: Likely benign for Hypogonadotropic hypogonadism 16 with or without anosmia. Last evaluated: 2022-07-25. Review status: criteria provided, single submitter. Criteria: ACMG Guidelines, 2015. Collection method: clinical testing. Allele origin: germline.
Comment: This variant is present in the Genome Aggregation Database (Highest reported MAF: 2.0% [1382/68016] including 15 total homozygotes). This variant is present in ClinVar (Variation ID:39716). Evolutionary conservation and computational predictive tools suggest that this variant may not impact the protein. In summary, data on this variant suggests that this variant does not cause disease but requires further evidence. Therefore, this variant is classified as likely benign.

Fulgent Genetics
Classification: Likely benign for Hypogonadotropic hypogonadism 16 with or without anosmia. Last evaluated: 2021-10-25. Review status: criteria provided, single submitter. Criteria: ACMG Guidelines, 2015. Collection method: clinical testing. Allele origin: unknown.